The following is an entry in ClinVar:

ClinVar aggregate classification (germline): Uncertain significance (1 of 4 stars; one submission).

Conditions:
Dilated cardiomyopathy 1G (CMD1G). Identifiers: Orphanet 154, MedGen C1858763, MONDO:0011400, OMIM 604145.
Autosomal recessive limb-girdle muscular dystrophy type 2J (LGMDR10). Also called: Limb-girdle muscular dystrophy, type 2J; MUSCULAR DYSTROPHY, LIMB-GIRDLE, AUTOSOMAL RECESSIVE 10. Identifiers: Orphanet 140922, MedGen C1837342, MONDO:0012127, OMIM 608807.

gnomAD v4.1: 1 of 1,611,326 alleles (0.000062%); highest among the groups gnomAD compares: Non-Finnish European, 0.000085%; no homozygotes.

Submission:

Labcorp Genetics (formerly Invitae), Labcorp
Classification: Uncertain significance for Dilated cardiomyopathy 1G; Autosomal recessive limb-girdle muscular dystrophy type 2J. Last evaluated: 2021-09-26. Review status: criteria provided, single submitter. Criteria: Invitae Variant Classification Sherloc (09022015). Collection method: clinical testing. Allele origin: germline.
Comment: This sequence change falls in intron 95 of the TTN gene. It does not directly change the encoded amino acid sequence of the TTN protein. It affects a nucleotide within the consensus splice site of the intron. This variant is not present in population databases (ExAC no frequency). This variant has not been reported in the literature in individuals affected with TTN-related conditions. Variants that disrupt the consensus splice site are a relatively common cause of aberrant splicing (PMID: 17576681, 9536098). Algorithms developed to predict the effect of sequence changes on RNA splicing suggest that this variant may disrupt the consensus splice site. In summary, the available evidence is currently insufficient to determine the role of this variant in disease. Therefore, it has been classified as a Variant of Uncertain Significance. This variant is located in the I band of TTN (PMID: 25589632). Variants in this region may be clinically relevant, but have not been definitively shown to cause cardiomyopathy or neuromuscular disease (PMID: 27493940, 32778822).

Literature cited by the submitters: PubMed 17576681; PubMed 9536098; PubMed 25589632; PubMed 27493940; PubMed 32778822.

NM_001267550.2(TTN):c.27607+5G>A

Gene: TTN (titin; minus strand). Cytogenetic location: 2q31.2.
Variant type: single nucleotide variant.
Coding change: c.27607+5G>A on transcript NM_001267550.2 (MANE Select); 5 bases into the intron after coding-DNA position 27607, G replaced by A.
Molecular consequence: intron variant.
Genome position (GRCh38, 1-based): chr2:178,712,310, C>T on the plus strand (G>A on the coding strand, the complement: TTN is on the minus strand). VCF-style: chr2-178712310-C-T. GRCh37 (hg19) VCF-style: chr2-179577037-C-T.
Other names: c.13282+25772G>A (NM_003319.4); c.13858+25772G>A (NM_133437.4); c.13657+25772G>A (NM_133432.3); c.23875+5G>A (NM_133378.4); c.26656+5G>A (NM_001256850.1).
Identifiers: ClinVar variation 1477823 (VCV001477823.6), dbSNP rs2154295977, ClinGen allele CA2573133969.